The following is an entry in ClinVar:

NM_002907.4(RECQL):c.1548dup (p.Asp517Ter)

Gene: RECQL (RecQ like helicase; minus strand). Cytogenetic location: 12p12.1.
Variant type: Duplication.
Coding change: c.1548dup on transcript NM_002907.4 (MANE Select); coding-DNA position 1548, one base duplicated (T; older notation c.1548dupT).
Protein change: p.Asp517Ter; replaces aspartic acid 517 with a stop codon.
Molecular consequence: nonsense.
Genome position (GRCh38, 1-based): chr12:21,471,547, A duplicated on the plus strand (T on the coding strand, the reverse complement: RECQL is on the minus strand); the first of 2 consecutive A bases (chr12:21,471,547-21,471,548); duplicating either gives the same sequence. VCF-style (leftmost placement, unchanged base first): chr12-21471546-C-CA. GRCh37 (hg19) VCF-style: chr12-21624480-C-CA.
Other names: c.1548dup, p.Asp517Ter (NM_032941.3); short protein forms D517*.
Identifiers: ClinVar variation 830284 (VCV000830284.4), dbSNP rs1942965081, ClinGen allele CA916083294.
Genomic context (GRCh38, chr12:21,471,546, plus strand): 5'-GTGTGGGAGCCACAACACCTGCTACTCTCAGTTTTGCTGCACCCTTTCCCATCCAAGAAT[C>CA]AATCAGTTTCAATGGAGTGAGTTTTTCATTCAGTTCCTCTGCCTGCTTCAGGATCTTGAT-3'

ClinVar aggregate classification (germline): Conflicting classifications of pathogenicity. Review status: criteria provided, conflicting classifications (1 of 4 stars). 2 submissions from 2 submitters: Likely pathogenic (1); Uncertain significance (1). Last evaluated 2022-02-17.

Conditions:
Hereditary breast ovarian cancer syndrome. Also called: Hereditary breast and/or ovarian cancer syndrome; Hereditary breast and ovarian cancer syndrome (HBOC); Breast and ovarian cancer; Hereditary breast and ovarian cancer; BRCA1- and BRCA2-Associated Hereditary Breast and Ovarian Cancer; Hereditary breast and ovarian cancer syndrome. Identifiers: Orphanet 145, MedGen C0677776, MeSH D061325, MONDO:0003582. Disease mechanism: loss of function.

Submissions (2):

Ambry Genetics
Classification: Uncertain significance. Last evaluated: 2022-02-17. Review status: criteria provided, single submitter. Criteria: Ambry Variant Classification Scheme 2023. Collection method: clinical testing. Allele origin: germline.
Comment: The c.1548dupT variant, located in coding exon 12 of the RECQL gene, results from a duplication of T at nucleotide position 1548, causing a translational frameshift with a predicted alternate stop codon (p.D517*).This alteration is expected to result in premature protein truncation or nonsense-mediated mRNA decay. However, the gene-disease association for RECQL is limited. In one study, this variant was detected in 0/568 HBOC patients and was identified in 1/3554 control individuals from a healthy Japanese population database (Kaneyasu T et al. NPJ Breast Cancer 2020 Jun;6:25). Since supporting evidence is limited at this time, the clinical significance of this alteration remains unclear.

Cancer Genomics Group, Japanese Foundation For Cancer Research
Classification: Likely pathogenic for Hereditary breast and ovarian cancer syndrome. Last evaluated: 2019-05-01. Review status: criteria provided, single submitter. Criteria: ACMG Guidelines, 2015. Collection method: research. Allele origin: germline. Affected: yes.